The following is an entry in ClinVar:

NM_000465.4(BARD1):c.1339_1340insA (p.Leu447fs)

Gene: BARD1 (BRCA1 associated RING domain 1; minus strand). Cytogenetic location: 2q35.
Variant type: Insertion.
Coding change: c.1339_1340insA on transcript NM_000465.4 (MANE Select); coding-DNA positions 1339 to 1340, A inserted.
Protein change: p.Leu447fs; shifts the reading frame from leucine 447.
Molecular consequence: frameshift variant. On other transcripts: non-coding transcript variant (3), intron variant (3).
Genome position: GRCh38 VCF-style: chr2-214769287-A-AT. GRCh37 (hg19) VCF-style: chr2-215634011-A-AT.
Other names: c.1282_1283insA, p.Leu428fs (NM_001282543.2); c.159-16733_159-16732insA (NM_001282548.2); c.216-16733_216-16732insA (NM_001282545.2); c.364+23009_364+23010insA (NM_001282549.2); short protein forms L428fs, L447fs.
Identifiers: ClinVar variation 2583303 (VCV002583303.2), dbSNP rs2469454517, ClinGen allele CA2582342137.
Genomic context (GRCh38, chr2:214,769,287, plus strand): 5'-ACTACCAATGGTGTCCATCCAGCATGGTCTTTAACATTTGGATCACTTCCATTTTGTAAA[A>AT]GGTATTCAACAGAAGGTATGTCGCCCTAGAAAAATGAACAAAACGGAAATTAAAAAGCAT-3'

ClinVar aggregate classification (germline): Pathogenic (1 of 4 stars; one submission).

Conditions:
Familial cancer of breast. Also called: Hereditary breast cancer; BREAST CANCER, FAMILIAL; hereditary breast carcinoma. Identifiers: Orphanet 227535, MedGen C0346153, MONDO:0016419, OMIM 114480. Disease mechanism: loss of function.

Submission:

Myriad Genetics, Inc.
Classification: Pathogenic for Familial cancer of breast. Last evaluated: 2023-05-23. Review status: criteria provided, single submitter. Criteria: Myriad Autosomal Dominant, Autosomal Recessive and X-Linked Classification Criteria (2023). Collection method: clinical testing. Allele origin: unknown.
Comment: This variant is considered pathogenic. This variant creates a frameshift predicted to result in premature protein truncation.